The following is an entry in ClinVar:

ClinVar aggregate classification (germline): Uncertain significance. Review status: criteria provided, multiple submitters, no conflicts (2 of 4 stars). 2 submissions from 2 submitters: Uncertain significance (2). Last evaluated 2025-04-12.

Conditions:
Usher syndrome type 3B. Also called: USHER SYNDROME, TYPE IIIB. Identifiers: MedGen C3281066, MONDO:0013788, OMIM 614504.

Allele frequency attached by ClinVar (database versions not stated): gnomAD exomes below 0.00001; TOPMed below 0.00001.
gnomAD v4.1: 1 of 1,604,094 alleles (0.000062%); highest among the groups gnomAD compares: Non-Finnish European, 0.000085%; no homozygotes.

Submissions (2):

Ambry Genetics
Classification: Uncertain significance. Last evaluated: 2025-04-12. Review status: criteria provided, single submitter. Criteria: Ambry Variant Classification Scheme 2023. Collection method: clinical testing. Allele origin: germline.

Labcorp Genetics (formerly Invitae), Labcorp
Classification: Uncertain significance for Usher syndrome type 3B. Last evaluated: 2025-02-26. Review status: criteria provided, single submitter. Criteria: Invitae Variant Classification Sherloc (09022015). Collection method: clinical testing. Allele origin: germline.
Comment: This sequence change replaces alanine, which is neutral and non-polar, with threonine, which is neutral and polar, at codon 2 of the HARS protein (p.Ala2Thr). This variant is not present in population databases (gnomAD no frequency). This variant has not been reported in the literature in individuals affected with HARS-related conditions. ClinVar contains an entry for this variant (Variation ID: 1001366). An algorithm developed to predict the effect of missense changes on protein structure and function (PolyPhen-2) suggests that this variant is likely to be tolerated. In summary, the available evidence is currently insufficient to determine the role of this variant in disease. Therefore, it has been classified as a Variant of Uncertain Significance.

NM_002109.6(HARS1):c.4G>A (p.Ala2Thr)

Genes: HARS1 (histidyl-tRNA synthetase 1; minus strand), LOC129994848 (ATAC-STARR-seq lymphoblastoid active region 23285; plus strand). Cytogenetic location: 5q31.3.
Variant type: single nucleotide variant.
Coding change: c.4G>A on transcript NM_002109.6 (MANE Select); coding-DNA position 4, G replaced by A.
Protein change: p.Ala2Thr; replaces alanine 2 with threonine.
Molecular consequence: missense variant. On other transcripts: splice donor variant (1).
Genome position (GRCh38, 1-based): chr5:140,691,301, C>T on the plus strand (G>A on the coding strand, the complement: HARS1 is on the minus strand). VCF-style: chr5-140691301-C-T. GRCh37 (hg19) VCF-style: chr5-140070886-C-T.
Other names: c.4G>A (NM_002109.3); c.4G>A, p.Ala2Thr (NM_001258040.3, NM_001258041.3, NM_001258042.3 and 2 more transcripts); c.3+1G>A (NM_001289094.2); short protein forms A2T.
Identifiers: ClinVar variation 1001366 (VCV001001366.10), dbSNP rs1759420210, ClinGen allele CA361191915.